The following is an entry in ClinVar:

NM_001042492.3(NF1):c.219A>G (p.Glu73=)

Gene: NF1 (neurofibromin 1; plus strand). Cytogenetic location: 17q11.2.
Variant type: single nucleotide variant.
Coding change: c.219A>G on transcript NM_001042492.3 (MANE Select); coding-DNA position 219, A replaced by G.
Protein change: p.Glu73=; no amino-acid change (glutamic acid 73 retained).
Molecular consequence: synonymous variant.
Genome position (GRCh38, 1-based): chr17:31,159,024, A>G. VCF-style: chr17-31159024-A-G. GRCh37 (hg19) VCF-style: chr17-29486042-A-G.
Other names: c.219A>G, p.Glu73= (NM_000267.4, NM_001128147.3).
Identifiers: ClinVar variation 3404581 (VCV003404581.1).

ClinVar aggregate classification (germline): Uncertain significance (1 of 4 stars; one submission).

Conditions:
Hereditary cancer-predisposing syndrome. Also called: Hereditary Cancer Syndrome; Tumor predisposition; Hereditary neoplastic syndrome; Neoplastic Syndromes, Hereditary. Identifiers: Orphanet 140162, MedGen C0027672, MeSH D009386, MONDO:0015356.
Cardiovascular phenotype. Identifiers: MedGen CN230736.

Submission:

Ambry Genetics
Classification: Uncertain significance for Cardiovascular phenotype; Hereditary cancer-predisposing syndrome. Last evaluated: 2024-11-19. Review status: criteria provided, single submitter. Criteria: Ambry Variant Classification Scheme 2023. Collection method: clinical testing. Allele origin: germline.
Comment: The c.219A>G variant (also known as p.E73E), located in coding exon 3 of the NF1 gene, results from an A to G substitution at nucleotide position 219. This nucleotide substitution does not change the amino acid at codon 73. This nucleotide position is well conserved in available vertebrate species. In silico splice site analysis for this alteration is inconclusive. Based on the available evidence, the clinical significance of this variant remains unclear.